The following is an entry in ClinVar:

ClinVar aggregate classification (germline): Uncertain significance (1 of 4 stars; one submission).

Submission:

CeGaT Center for Human Genetics Tuebingen
Classification: Uncertain significance. Last evaluated: 2023-09-01. Review status: criteria provided, single submitter. Criteria: CeGaT Center For Human Genetics Tuebingen Variant Classification Criteria Version 2. Collection method: clinical testing. Allele origin: germline. Affected: yes. Observed: 1 variant allele.
Comment: FLG: PM2, BP4

NM_002016.2(FLG):c.8462C>T (p.Ser2821Phe)

Genes: CCDST (cervical cancer associated DHX9 suppressive transcript; plus strand), FLG (filaggrin; minus strand). Cytogenetic location: 1q21.3.
Variant type: single nucleotide variant.
Coding change: c.8462C>T on transcript NM_002016.2 (MANE Select); coding-DNA position 8462, C replaced by T.
Protein change: p.Ser2821Phe; replaces serine 2821 with phenylalanine.
Molecular consequence: missense variant.
Genome position (GRCh38, 1-based): chr1:152,306,424, G>A on the plus strand (C>T on the coding strand, the complement: FLG is on the minus strand). VCF-style: chr1-152306424-G-A. GRCh37 (hg19) VCF-style: chr1-152278900-G-A.
Other names: short protein forms S2821F.
Identifiers: ClinVar variation 2639257 (VCV002639257.24), dbSNP rs758285376, ClinGen allele CA1104228.
Genomic context (GRCh38, chr1:152,306,424, plus strand): 5'-GTTGTTCTGCTTGCACTTCTGGATCCTGACTGCCCACGGGAGGCATCAGACCTTCCCTGG[G>A]ATGTGGTGTGGCTGTGATGGGACCCTGAGTGTCCAGAGCTATCTACCGAATGCTCGTGGT-3'
Protein context (NP_002007.1, residues 2811-2831): HSGSHHSHTT[Ser2821Phe]QGRSDASRGQ